The following is an entry in ClinVar:

ClinVar aggregate classification (germline): Uncertain significance (1 of 4 stars; one submission).

Conditions:
Weaver syndrome (WVS). Also called: Weaver Smith syndrome; Overgrowth syndrome with accelerated skeletal maturation, unusual facies, and camptodactyly. Identifiers: Orphanet 3447, MedGen C0265210, MONDO:0010193, OMIM 277590.

Submission:

Labcorp Genetics (formerly Invitae), Labcorp
Classification: Uncertain significance for Weaver syndrome. Last evaluated: 2024-02-25. Review status: criteria provided, single submitter. Criteria: Invitae Variant Classification Sherloc (09022015). Collection method: clinical testing. Allele origin: germline.
Comment: This sequence change falls in intron 5 of the EZH2 gene. It does not directly change the encoded amino acid sequence of the EZH2 protein. It affects a nucleotide within the consensus splice site. This variant is not present in population databases (gnomAD no frequency). This variant has not been reported in the literature in individuals affected with EZH2-related conditions. ClinVar contains an entry for this variant (Variation ID: 1506592). Variants that disrupt the consensus splice site are a relatively common cause of aberrant splicing (PMID: 17576681, 9536098). Algorithms developed to predict the effect of sequence changes on RNA splicing suggest that this variant is not likely to affect RNA splicing. In summary, the available evidence is currently insufficient to determine the role of this variant in disease. Therefore, it has been classified as a Variant of Uncertain Significance.

Literature cited by the submitters: PubMed 17576681; PubMed 9536098.

NM_004456.5(EZH2):c.484+6C>T

Gene: EZH2 (enhancer of zeste 2 polycomb repressive complex 2 subunit; minus strand). Cytogenetic location: 7q36.1.
Variant type: single nucleotide variant.
Coding change: c.484+6C>T on transcript NM_004456.5 (MANE Select); 6 bases into the intron after coding-DNA position 484, C replaced by T.
Molecular consequence: intron variant.
Genome position (GRCh38, 1-based): chr7:148,829,722, G>A on the plus strand (C>T on the coding strand, the complement: EZH2 is on the minus strand). VCF-style: chr7-148829722-G-A. GRCh37 (hg19) VCF-style: chr7-148526814-G-A.
Other names: c.457+6C>T (NM_001203248.2, NM_001203249.2); c.367+6C>T (NM_152998.3); c.484+6C>T (NM_001203247.2).
Identifiers: ClinVar variation 1506592 (VCV001506592.6), dbSNP rs2129476856, ClinGen allele CA2573141838.